The following is an entry in ClinVar:

NM_014491.4(FOXP2):c.-99G>A

Gene: FOXP2 (forkhead box P2; plus strand). Cytogenetic location: 7q31.1.
Variant type: single nucleotide variant.
Coding change: c.-99G>A on transcript NM_014491.4 (MANE Select); 99 bases upstream of the start codon, G replaced by A.
Molecular consequence: 5 prime UTR variant. On other transcripts: non-coding transcript variant (1).
Genome position (GRCh38, 1-based): chr7:114,415,272, G>A. VCF-style: chr7-114415272-G-A. GRCh37 (hg19) VCF-style: chr7-114055327-G-A.
Other names: c.-99G>A (NM_001172766.3, NM_148898.4, NM_148900.4).
Identifiers: ClinVar variation 358599 (VCV000358599.6), dbSNP rs116320717, ClinGen allele CA4445617.

ClinVar aggregate classification (germline): Benign. Review status: criteria provided, multiple submitters, no conflicts (2 of 4 stars). 2 submissions from 2 submitters: Benign (2). Last evaluated 2018-01-12.

Conditions:
Childhood apraxia of speech (SPCH1). Also called: DEVELOPMENTAL VERBAL DYSPRAXIA; Speech language disorder; FOXP2-Related Speech and Language Disorder; SPEECH AND LANGUAGE DISORDER WITH OROFACIAL DYSPRAXIA. Identifiers: Orphanet 209908, MedGen C0750927, MONDO:0011184, OMIM 602081.

Allele frequency attached by ClinVar (database versions not stated): ExAC 0.00019; gnomAD exomes 0.00084 and 0.00151; gnomAD 0.00724 and 0.00774; TOPMed 0.00819; 1000 Genomes Project 30x 0.00906; 1000 Genomes Project 0.00938.
gnomAD v4.1: 1,354 of 453,722 alleles (0.3%); highest among the groups gnomAD compares: African/African-American, 2.5%; 20 homozygotes.

Submissions (2):

Illumina Laboratory Services, Illumina
Classification: Benign for Childhood apraxia of speech. Last evaluated: 2018-01-12. Review status: criteria provided, single submitter. Criteria: ICSL Variant Classification Criteria 13 December 2019. Collection method: clinical testing. Allele origin: germline.
Comment: This variant was observed in the ICSL laboratory as part of a predisposition screen in an ostensibly healthy population. It had not been previously curated by ICSL or reported in the Human Gene Mutation Database (HGMD: prior to June 1st, 2018), and was therefore a candidate for classification through an automated scoring system. Utilizing variant allele frequency, disease prevalence and penetrance estimates, and inheritance mode, an automated score was calculated to assess if this variant is too frequent to cause the disease. Based on the score and internal cut-off values, a variant classified as benign is not then subjected to further curation. The score for this variant resulted in a classification of benign for this disease.

Breakthrough Genomics
Classification: Benign. Review status: criteria provided, single submitter. Criteria: ACMG Guidelines, 2015. Collection method: not provided. Allele origin: germline. Inheritance: Autosomal dominant inheritance. Affected: yes.